The following is an entry in ClinVar:

ClinVar aggregate classification (germline): Uncertain significance (1 of 4 stars; one submission).

gnomAD v4.1: 16 of 1,175,549 alleles (0.0014%); highest among the groups gnomAD compares: Non-Finnish European, 0.0017%; no homozygotes.

Submission:

GeneDx
Classification: Uncertain significance. Last evaluated: 2026-05-13. Review status: criteria provided, single submitter. Criteria: GeneDx Variant Classification Process June 2021. Collection method: clinical testing. Allele origin: germline.
Comment: Not observed at significant frequency in large population cohorts (gnomAD); In silico analysis suggests that this missense variant does not alter protein structure/function; Has not been previously published as pathogenic or benign to our knowledge

NM_001042750.2(STAG2):c.2075A>G (p.Lys692Arg)

Gene: STAG2 (STAG2 cohesin complex component; plus strand). Cytogenetic location: Xq25.
Variant type: single nucleotide variant.
Coding change: c.2075A>G on transcript NM_001042750.2 (MANE Select); coding-DNA position 2075, A replaced by G.
Protein change: p.Lys692Arg; replaces lysine 692 with arginine.
Molecular consequence: missense variant.
Genome position (GRCh38, 1-based): chrX:124,065,925, A>G. VCF-style: chrX-124065925-A-G. GRCh37 (hg19) VCF-style: chrX-123199775-A-G.
Other names: c.2075A>G, p.Lys692Arg (NM_001042749.2, NM_001042751.2, NM_001282418.2 and 13 more transcripts); short protein forms K692R.
Identifiers: ClinVar variation 3767753 (VCV003767753.2).